The following is an entry in ClinVar:

ClinVar aggregate classification (germline): Uncertain significance (1 of 4 stars; one submission).

Conditions:
Pyruvate carboxylase deficiency. Also called: LEIGH NECROTIZING ENCEPHALOPATHY DUE TO PYRUVATE CARBOXYLASE DEFICIENCY; LEIGH SYNDROME DUE TO PYRUVATE CARBOXYLASE DEFICIENCY; PC DEFICIENCY; ATAXIA WITH LACTIC ACIDOSIS II; Pyruvate Carboxylase Deficiency Disease. Identifiers: Orphanet 3008, MedGen C0034341, MONDO:0009949, OMIM 266150.

Submission:

Labcorp Genetics (formerly Invitae), Labcorp
Classification: Uncertain significance for Pyruvate carboxylase deficiency. Last evaluated: 2021-12-02. Review status: criteria provided, single submitter. Criteria: Invitae Variant Classification Sherloc (09022015). Collection method: clinical testing. Allele origin: germline.
Comment: Algorithms developed to predict the effect of missense changes on protein structure and function are either unavailable or do not agree on the potential impact of this missense change (SIFT: "Deleterious"; PolyPhen-2: "Probably Damaging"; Align-GVGD: "Class C0"). This sequence change replaces alanine, which is neutral and non-polar, with valine, which is neutral and non-polar, at codon 781 of the PC protein (p.Ala781Val). This variant is not present in population databases (gnomAD no frequency). This variant has not been reported in the literature in individuals affected with PC-related conditions. In summary, the available evidence is currently insufficient to determine the role of this variant in disease. Therefore, it has been classified as a Variant of Uncertain Significance.

NM_001040716.2(PC):c.2342C>T (p.Ala781Val)

Gene: PC (pyruvate carboxylase; minus strand). Cytogenetic location: 11q13.2.
Variant type: single nucleotide variant.
Coding change: c.2342C>T on transcript NM_001040716.2 (MANE Select); coding-DNA position 2342, C replaced by T.
Protein change: p.Ala781Val; replaces alanine 781 with valine.
Molecular consequence: missense variant.
Genome position (GRCh38, 1-based): chr11:66,850,805, G>A on the plus strand (C>T on the coding strand, the complement: PC is on the minus strand). VCF-style: chr11-66850805-G-A. GRCh37 (hg19) VCF-style: chr11-66618276-G-A.
Other names: c.2342C>T, p.Ala781Val (NM_000920.4, NM_022172.3); short protein forms A781V.
Identifiers: ClinVar variation 1360260 (VCV001360260.8), dbSNP rs2135799932, ClinGen allele CA381493182.
Genomic context (GRCh38, chr11:66,850,805, plus strand): 5'-ATGGAATCAGCTGCCACATCCACCACATCAGCTCCAGCCTGGGCACAGGCCAGCATGGCT[G>A]CCACGCCTGCCCCTGACGTGTCGTGGGTGTGGATGTGCAGTGGGAGGTCGGGGAAGCGGT-3'
Protein context (NP_001035806.1, residues 771-791): HTHDTSGAGV[Ala781Val]AMLACAQAGA